The following is an entry in ClinVar:

ClinVar aggregate classification (germline): Benign/Likely benign. Review status: criteria provided, multiple submitters, no conflicts (2 of 4 stars). 9 submissions from 9 submitters: Benign (1); Likely benign (8). Last evaluated 2026-02-07.

Conditions:
BMPR1A-related disorder. Also called: BMPR1A-related condition.
Juvenile polyposis syndrome (JPS). Identifiers: Orphanet 2929, MedGen C0345893, MONDO:0017380, OMIM 174900.
Hereditary cancer-predisposing syndrome. Also called: Neoplastic Syndromes, Hereditary; Hereditary neoplastic syndrome; Hereditary Cancer Syndrome; Tumor predisposition. Identifiers: Orphanet 140162, MedGen C0027672, MeSH D009386, MONDO:0015356.
Pulmonary arterial hypertension. Identifiers: Orphanet 182090, MedGen C2973725, MeSH D000081029, MONDO:0015924, HP:0002092.

Allele frequency attached by ClinVar (database versions not stated): TOPMed 0.00004.
gnomAD v4.1: 44 of 1,613,722 alleles (0.0027%); highest among the groups gnomAD compares: African/African-American, 0.0053%; no homozygotes.

Submissions (9):

PreventionGenetics, part of Exact Sciences
Classification: Likely benign for BMPR1A-related condition. Last evaluated: 2026-02-07. Review status: criteria provided, single submitter. Criteria: ACMG Guidelines, 2015. Collection method: clinical testing. Allele origin: germline.
Comment: This variant is classified as likely benign based on ACMG/AMP sequence variant interpretation guidelines (Richards et al. 2015 PMID: 25741868, with internal and published modifications).

Labcorp Genetics (formerly Invitae), Labcorp
Classification: Likely benign for Juvenile polyposis syndrome. Last evaluated: 2025-12-31. Review status: criteria provided, single submitter. Criteria: Invitae Variant Classification Sherloc (09022015). Collection method: clinical testing. Allele origin: germline.

Myriad Genetics, Inc.
Classification: Benign for Juvenile polyposis syndrome. Last evaluated: 2024-07-31. Review status: criteria provided, single submitter. Criteria: Myriad Autosomal Dominant, Autosomal Recessive and X-Linked Classification Criteria (2023). Collection method: clinical testing. Allele origin: unknown.
Comment: This variant is considered benign. This variant is a silent/synonymous amino acid change and it is not expected to impact splicing.

All of Us Research Program, National Institutes of Health
Classification: Likely benign for Juvenile polyposis syndrome. Last evaluated: 2023-12-07. Review status: criteria provided, single submitter. Criteria: ACMG Guidelines, 2015. Collection method: clinical testing. Allele origin: germline. Inheritance: Autosomal dominant inheritance. Observed: 9 variant alleles, 9 heterozygotes.
Comment: This study involves interpretation of variants in research participants for the purpose of population health screening. Participant phenotype was not available at the time of variant classification. Additional details can be found in publication PMID: 35346344, PMCID: PMC8962531

Department of Pathology and Laboratory Medicine, Sinai Health System
Classification: Likely benign for pulmonary arterial hypertension. Last evaluated: 2020-03-12. Review status: criteria provided, single submitter. Criteria: ACMG Guidelines, 2015. Collection method: clinical testing. Allele origin: germline.

GeneDx
Classification: Likely benign. Last evaluated: 2018-11-28. Review status: criteria provided, single submitter. Criteria: GeneDx Variant Classification Process June 2021. Collection method: clinical testing. Allele origin: germline. Affected: yes.

Women's Health and Genetics/Laboratory Corporation of America, LabCorp
Classification: Likely benign. Last evaluated: 2018-04-13. Review status: criteria provided, single submitter. Criteria: LabCorp Variant Classification Summary - May 2015. Collection method: clinical testing. Allele origin: germline.
Comment: Variant summary: BMPR1A c.117C>G alters a non-conserved nucleotide resulting in a synonymous change. 5/5 computational tools predict no significant impact on normal splicing. However, these predictions have yet to be confirmed by functional studies. The variant allele was found at a frequency of 1.6e-05 (4/246138 control chromosomes). This frequency is approximately 8 fold above the estimated maximal expected allele frequency for a pathogenic variant in BMPR1A causing Juvenile Polyposis Syndrome phenotype (2e-06), suggesting that the variant is benign. To our knowledge, no occurrence of c.117C>G in individuals affected with Juvenile Polyposis Syndrome and no experimental evidence demonstrating its impact on protein function have been reported. Four clinical diagnostic laboratories have submitted clinical-significance assessments for this variant to ClinVar after 2014 and all classified the variant as likely benign. Based on the evidence outlined above, the variant was classified as likely benign.

Color Diagnostics, LLC DBA Color Health
Classification: Likely benign for Hereditary cancer-predisposing syndrome. Last evaluated: 2016-06-17. Review status: criteria provided, single submitter. Criteria: ACMG Guidelines, 2015. Collection method: clinical testing. Allele origin: germline.

Ambry Genetics
Classification: Likely benign for Hereditary cancer-predisposing syndrome. Last evaluated: 2015-05-14. Review status: criteria provided, single submitter. Criteria: Ambry Variant Classification Scheme 2023. Collection method: clinical testing. Allele origin: germline.

NM_004329.3(BMPR1A):c.117C>G (p.Ser39=)

Gene: BMPR1A (bone morphogenetic protein receptor type 1A; plus strand). Cytogenetic location: 10q23.2.
Variant type: single nucleotide variant.
Coding change: c.117C>G on transcript NM_004329.3 (MANE Select); coding-DNA position 117, C replaced by G.
Protein change: p.Ser39=; no amino-acid change (serine 39 retained).
Molecular consequence: synonymous variant.
Genome position (GRCh38, 1-based): chr10:86,890,111, C>G. VCF-style: chr10-86890111-C-G. GRCh37 (hg19) VCF-style: chr10-88649868-C-G.
Identifiers: ClinVar variation 239853 (VCV000239853.24), dbSNP rs757333646, ClinGen allele CA5585434.